The following is an entry in ClinVar:

ClinVar aggregate classification (germline): Uncertain significance (1 of 4 stars; one submission).

Conditions:
P4HA2-related disorder. Also called: P4HA2-related condition.

gnomAD v4.1: 30 of 1,613,974 alleles (0.0019%); highest among the groups gnomAD compares: East Asian, 0.031%; no homozygotes.

Submission:

PreventionGenetics, part of Exact Sciences
Classification: Uncertain significance for P4HA2-related condition. Last evaluated: 2026-07-22. Review status: criteria provided, single submitter. Criteria: ACMG Guidelines, 2015. Collection method: clinical testing. Allele origin: germline.
Comment: The P4HA2 c.359G>A variant is predicted to result in the amino acid substitution p.Arg120Gln. To our knowledge, this variant has not been reported in the literature. This variant is present in 0.0065% of alleles in individuals of South Asian descent in gnomAD. At this time, the clinical significance of this variant is uncertain due to the absence of conclusive functional and genetic evidence.

NM_001017974.2(P4HA2):c.359G>A (p.Arg120Gln)

Gene: P4HA2 (prolyl 4-hydroxylase subunit alpha 2; minus strand). Cytogenetic location: 5q31.1.
Variant type: single nucleotide variant.
Coding change: c.359G>A on transcript NM_001017974.2 (MANE Select); coding-DNA position 359, G replaced by A.
Protein change: p.Arg120Gln; replaces arginine 120 with glutamine.
Molecular consequence: missense variant.
Genome position (GRCh38, 1-based): chr5:132,214,026, C>T on the plus strand (G>A on the coding strand, the complement: P4HA2 is on the minus strand). VCF-style: chr5-132214026-C-T. GRCh37 (hg19) VCF-style: chr5-131549719-C-T.
Other names: c.359G>A, p.Arg120Gln (NM_001142598.2, NM_001142599.2, NM_001365677.2 and 5 more transcripts); short protein forms R120Q.
Identifiers: ClinVar variation 4977976 (VCV004977976.1).